The following is an entry in ClinVar:

ClinVar aggregate classification (germline): Uncertain significance (1 of 4 stars; one submission).

Submission:

Women's Health and Genetics/Laboratory Corporation of America, LabCorp
Classification: Uncertain significance. Last evaluated: 2025-12-05. Review status: criteria provided, single submitter. Criteria: LabCorp Variant Classification Summary - May 2015. Collection method: clinical testing. Allele origin: germline.
Comment: Variant summary: AR c.895G>A (p.Ala299Thr) results in a non-conservative amino acid change in the encoded protein sequence. Algorithms developed to predict the effect of missense changes on protein structure and function are either unavailable or do not agree on the potential impact of this missense change. The frequency data for this variant in gnomAD is considered unreliable, as metrics indicate poor data quality at this position. c.895G>A has been reported in individuals affected with infertility or cancer. To our knowledge, no experimental evidence demonstrating an impact on protein function has been reported. The following publications have been ascertained in the context of this evaluation (PMID: 32850863, 36394509). No submitters have cited clinical-significance assessments for this variant to ClinVar. Based on the evidence outlined above, the variant was classified as uncertain significance.

Literature cited by the submitters: PubMed 36394509; PubMed 32850863.

NM_000044.6(AR):c.895G>A (p.Ala299Thr)

Gene: AR (androgen receptor; plus strand). Cytogenetic location: Xq12.
Variant type: single nucleotide variant.
Coding change: c.895G>A on transcript NM_000044.6 (MANE Select); coding-DNA position 895, G replaced by A.
Protein change: p.Ala299Thr; replaces alanine 299 with threonine.
Molecular consequence: missense variant. On other transcripts: 5 prime UTR variant (1).
Genome position (GRCh38, 1-based): chrX:67,546,041, G>A. VCF-style: chrX-67546041-G-A. GRCh37 (hg19) VCF-style: chrX-66765883-G-A.
Other names: c.-889G>A (NM_001011645.3); c.895G>A, p.Ala299Thr (NM_001348061.1, NM_001348063.1, NM_001348064.1); short protein forms A299T.
Identifiers: ClinVar variation 4688522 (VCV004688522.1).